The following is an entry in ClinVar:

NM_000059.4(BRCA2):c.3462C>T (p.Thr1154=)

Gene: BRCA2 (BRCA2 DNA repair associated; plus strand). Cytogenetic location: 13q13.1.
Variant type: single nucleotide variant.
Coding change: c.3462C>T on transcript NM_000059.4 (MANE Select); coding-DNA position 3462, C replaced by T.
Protein change: p.Thr1154=; no amino-acid change (threonine 1154 retained).
Molecular consequence: synonymous variant.
Genome position (GRCh38, 1-based): chr13:32,337,817, C>T. VCF-style: chr13-32337817-C-T. GRCh37 (hg19) VCF-style: chr13-32911954-C-T.
Identifiers: ClinVar variation 184176 (VCV000184176.51), dbSNP rs4986856, ClinGen allele CA018124.

ClinVar aggregate classification (germline): Likely benign. Review status: reviewed by expert panel (3 of 4 stars). 17 submissions from 17 submitters: Likely benign (1). 16 of the submissions do not count toward it. Last evaluated 2017-06-29.

Conditions:
Breast and/or ovarian cancer. Identifiers: MedGen CN221562.
Hereditary cancer-predisposing syndrome. Also called: Tumor predisposition; Neoplastic Syndromes, Hereditary; Hereditary Cancer Syndrome; Hereditary neoplastic syndrome. Identifiers: Orphanet 140162, MedGen C0027672, MeSH D009386, MONDO:0015356.
Hereditary breast ovarian cancer syndrome. Also called: Hereditary breast and ovarian cancer; Hereditary breast and ovarian cancer syndrome (HBOC); Breast and ovarian cancer; Hereditary breast and/or ovarian cancer syndrome; BRCA1- and BRCA2-Associated Hereditary Breast and Ovarian Cancer; Hereditary breast and ovarian cancer syndrome. Identifiers: Orphanet 145, MedGen C0677776, MeSH D061325, MONDO:0003582. Disease mechanism: loss of function.
Breast-ovarian cancer, familial, susceptibility to, 2 (BROVCA2). Also called: BRCA2 Hereditary Breast and Ovarian Cancer. Identifiers: Orphanet 145, MedGen C2675520, MONDO:0012933, OMIM 612555. Disease mechanism: loss of function.
Malignant tumor of breast. Also called: Malignant breast neoplasm; Cancer breast. Identifiers: MedGen C0006142, MONDO:0007254. Disease mechanism: loss of function.

Allele frequency attached by ClinVar (database versions not stated): gnomAD 0.00003; TOPMed 0.00006; ESP Exome Variant Server 0.00015.
gnomAD v4.1: 190 of 1,613,886 alleles (0.012%); highest among the groups gnomAD compares: Non-Finnish European, 0.016%; no homozygotes.

Submissions (17):

Evidence-based Network for the Interpretation of Germline Mutant Alleles (ENIGMA)
Classification: Likely benign for Breast-ovarian cancer, familial, susceptibility to, 2. Last evaluated: 2017-06-29. Review status: reviewed by expert panel. Criteria: ENIGMA BRCA1/2 Classification Criteria (2017-06-29). Collection method: curation. Allele origin: germline.
Comment: Synonymous substitution variant, with low bioinformatic likelihood to result in a splicing aberration (Splicing prior probability 0.02).

Labcorp Genetics (formerly Invitae), Labcorp
Classification: Benign for Hereditary breast ovarian cancer syndrome. Last evaluated: 2026-01-26. Review status: criteria provided, single submitter. Criteria: Invitae Variant Classification Sherloc (09022015). Collection method: clinical testing. Allele origin: germline. Not counted in ClinVar's aggregate classification.

Center for Genomic Medicine, Rigshospitalet, Copenhagen University Hospital
Classification: Likely benign. Last evaluated: 2025-03-04. Review status: criteria provided, single submitter. Criteria: ACMG Guidelines, 2015. Collection method: clinical testing. Allele origin: germline. Not counted in ClinVar's aggregate classification.

CeGaT Center for Human Genetics Tuebingen
Classification: Likely benign. Last evaluated: 2024-11-01. Review status: criteria provided, single submitter. Criteria: CeGaT Center For Human Genetics Tuebingen Variant Classification Criteria Version 2. Collection method: clinical testing. Allele origin: germline. Affected: yes. Observed: 1 variant allele. Not counted in ClinVar's aggregate classification.
Comment: BRCA2: BP4, BP7

ARUP Laboratories, Molecular Genetics and Genomics, ARUP Laboratories
Classification: Likely benign. Last evaluated: 2024-07-22. Review status: criteria provided, single submitter. Criteria: ARUP Molecular Germline Variant Investigation Process 2024. Collection method: clinical testing. Allele origin: germline. Not counted in ClinVar's aggregate classification.

Blueprint Genetics
Classification: Likely benign. Last evaluated: 2024-07-22. Review status: criteria provided, single submitter. Criteria: ACMG Guidelines, 2015. Collection method: clinical testing. Allele origin: germline. Not counted in ClinVar's aggregate classification.

All of Us Research Program, National Institutes of Health
Classification: Likely benign for Breast-ovarian cancer, familial, susceptibility to, 2. Last evaluated: 2023-12-01. Review status: criteria provided, single submitter. Criteria: ACMG Guidelines, 2015. Collection method: clinical testing. Allele origin: germline. Inheritance: Autosomal dominant inheritance. Observed: 16 variant alleles, 16 heterozygotes. Not counted in ClinVar's aggregate classification.
Comment: This study involves interpretation of variants in research participants for the purpose of population health screening. Participant phenotype was not available at the time of variant classification. Additional details can be found in publication PMID: 35346344, PMCID: PMC8962531

Sema4
Classification: Likely benign for Hereditary cancer-predisposing syndrome. Last evaluated: 2021-06-30. Review status: criteria provided, single submitter. Criteria: Sema4 Curation Guidelines. Collection method: curation. Allele origin: germline. Not counted in ClinVar's aggregate classification.

Women's Health and Genetics/Laboratory Corporation of America, LabCorp
Classification: Likely benign. Last evaluated: 2021-04-25. Review status: criteria provided, single submitter. Criteria: LabCorp Variant Classification Summary - May 2015. Collection method: clinical testing. Allele origin: germline. Not counted in ClinVar's aggregate classification.

CHEO Genetics Diagnostic Laboratory, Children's Hospital of Eastern Ontario
Classification: Likely benign for Breast and/or ovarian cancer. Last evaluated: 2021-03-08. Review status: criteria provided, single submitter. Criteria: ACMG Guidelines, 2015. Collection method: clinical testing. Allele origin: germline. Not counted in ClinVar's aggregate classification.

Quest Diagnostics Nichols Institute San Juan Capistrano
Classification: Benign. Last evaluated: 2020-01-30. Review status: criteria provided, single submitter. Criteria: Quest Diagnostics criteria. Collection method: clinical testing. Allele origin: unknown. Not counted in ClinVar's aggregate classification.

Genetic Services Laboratory, University of Chicago
Classification: Likely benign. Last evaluated: 2017-08-14. Review status: criteria provided, single submitter. Criteria: ACMG Guidelines, 2015. Collection method: clinical testing. Allele origin: germline. Affected: no. Not counted in ClinVar's aggregate classification.

PreventionGenetics, part of Exact Sciences
Classification: Likely benign. Last evaluated: 2017-05-30. Review status: criteria provided, single submitter. Criteria: ACMG Guidelines, 2015. Collection method: clinical testing. Allele origin: germline. Not counted in ClinVar's aggregate classification.

Color Diagnostics, LLC DBA Color Health
Classification: Likely benign for Hereditary cancer-predisposing syndrome. Last evaluated: 2016-08-30. Review status: criteria provided, single submitter. Criteria: ACMG Guidelines, 2015. Collection method: clinical testing. Allele origin: germline. Not counted in ClinVar's aggregate classification.

GeneDx
Classification: Benign. Last evaluated: 2015-03-03. Review status: criteria provided, single submitter. Criteria: GeneDx Variant Classification Process June 2021. Collection method: clinical testing. Allele origin: germline. Affected: yes. Not counted in ClinVar's aggregate classification.

Ambry Genetics
Classification: Likely benign for Hereditary cancer-predisposing syndrome. Last evaluated: 2014-10-15. Review status: criteria provided, single submitter. Criteria: Ambry Variant Classification Scheme 2023. Collection method: clinical testing. Allele origin: germline. Not counted in ClinVar's aggregate classification.

Department of Pathology and Laboratory Medicine, Sinai Health System
Classification: Likely benign for Malignant tumor of breast. Review status: no assertion criteria provided. Collection method: clinical testing. Allele origin: unknown. Affected: yes. Observed: 1 variant allele. Study: The Canadian Open Genetics Repository (COGR). Not counted in ClinVar's aggregate classification.
Comment: The BRCA2 p.Thr1154= variant was identified in 4 of 3732 proband chromosomes (frequency: 0.001) from individuals or families with breast or ovarian cancer and was not identified in 334 control chromosomes from healthy individuals (Caux-Moncoutier 2009, Han S-H 2006, Kim 2006). The variant was also identified in dbSNP (ID: rs4986856) as "With Likely benign allele", ClinVar (classified as likely benign by Ambry Genetics, Invitae, Color Genomics and two clinical laboratories), LOVD 3.0 (2x), and in UMD-LSDB (3x as unclassified variant). The variant was not identified in COGR, Cosmic, BIC Database, ARUP Laboratories, or Zhejiang University Database. The variant was identified in control databases in 12 of 276656 chromosomes at a frequency of 0.00004 (Genome Aggregation Database Feb 27, 2017). The variant was observed in the following populations: African in 1 of 24016 chromosomes (freq: 0.00004), European in 11 of 126230 chromosomes (freq: 0.00009), while the variant was not observed in the Other, Latino, Ashkenazi Jewish, East Asian, Finnish, or South Asian populations. The p.Thr1154= variant is not expected to have clinical significance because it does not result in a change of amino acid and is not located in a known consensus splice site. In addition, in silico or computational prediction software programs (SpliceSiteFinder, MaxEntScan, NNSPLICE, GeneSplicer) do not predict a difference in splicing. In summary, based on the above information the clinical significance of this variant cannot be determined with certainty at this time although we would lean towards a more benign role for this variant. This variant is classified as likely benign.

Literature cited by the submitters: PubMed 15937982 (cited by Women's Health and Genetics/Laboratory Corporation of America, LabCorp); PubMed 19471317 (cited by Women's Health and Genetics/Laboratory Corporation of America, LabCorp and Quest Diagnostics Nichols Institute San Juan Capistrano); PubMed 14684619 (cited by Women's Health and Genetics/Laboratory Corporation of America, LabCorp); PubMed 16949048 (cited by Women's Health and Genetics/Laboratory Corporation of America, LabCorp and Quest Diagnostics Nichols Institute San Juan Capistrano); PubMed 17100994 (cited by Women's Health and Genetics/Laboratory Corporation of America, LabCorp and Quest Diagnostics Nichols Institute San Juan Capistrano); PubMed 22430443 (cited by Women's Health and Genetics/Laboratory Corporation of America, LabCorp).